The following is an entry in ClinVar:

NM_003647.3(DGKE):c.680G>A (p.Arg227His)

Gene: DGKE (diacylglycerol kinase epsilon; plus strand). Cytogenetic location: 17q22.
Variant type: single nucleotide variant.
Coding change: c.680G>A on transcript NM_003647.3 (MANE Select); coding-DNA position 680, G replaced by A.
Protein change: p.Arg227His; replaces arginine 227 with histidine.
Molecular consequence: missense variant.
Genome position (GRCh38, 1-based): chr17:56,845,745, G>A. VCF-style: chr17-56845745-G-A. GRCh37 (hg19) VCF-style: chr17-54923106-G-A.
Other names: p.Arg227His; short protein forms R227H.
Identifiers: ClinVar variation 4542203 (VCV004542203.2).
Genomic context (GRCh38, chr17:56,845,745, plus strand): 5'-TTTAGCTAGCCTCTAAGCTTGGAAAGCAGTGGACCCCATTAATAATCCTGGCCAACTCTC[G>A]TAGTGGAACTAATATGGGAGAAGGACTGTTGGGAGAATTTAGGATCTTGTTGAATCCAGT-3'
Protein context (NP_003638.1, residues 217-237): WTPLIILANS[Arg227His]SGTNMGEGLL

ClinVar aggregate classification (germline): Uncertain significance. Review status: criteria provided, multiple submitters, no conflicts (2 of 4 stars). 2 submissions from 2 submitters: Uncertain significance (2). Last evaluated 2025-06-04.

Submissions (2):

Mayo Clinic Laboratories, Mayo Clinic
Classification: Uncertain significance. Last evaluated: 2025-06-04. Review status: criteria provided, single submitter. Criteria: ACMG Guidelines, 2015. Collection method: clinical testing. Allele origin: germline. Observed: 1 variant allele.
Comment: PM2_supporting

Blueprint Genetics
Classification: Uncertain significance. Last evaluated: 2023-11-15. Review status: criteria provided, single submitter. Criteria: ACMG Guidelines, 2015. Collection method: clinical testing. Allele origin: germline.